The following is an entry in ClinVar:

ClinVar aggregate classification (germline): Uncertain significance (1 of 4 stars; one submission).

Submission:

Ambry Genetics
Classification: Uncertain significance. Last evaluated: 2022-02-07. Review status: criteria provided, single submitter. Criteria: Ambry Variant Classification Scheme 2023. Collection method: clinical testing. Allele origin: germline.
Comment: The p.L1077P variant (also known as c.3230T>C), located in coding exon 16 of the POLQ gene, results from a T to C substitution at nucleotide position 3230. The leucine at codon 1077 is replaced by proline, an amino acid with similar properties. This amino acid position is conserved. In addition, this alteration is predicted to be tolerated by in silico analysis. Since supporting evidence is limited at this time, the clinical significance of this alteration remains unclear.

NM_199420.4(POLQ):c.3230T>C (p.Leu1077Pro)

Gene: POLQ (DNA polymerase theta; minus strand). Cytogenetic location: 3q13.33.
Variant type: single nucleotide variant.
Coding change: c.3230T>C on transcript NM_199420.4 (MANE Select); coding-DNA position 3230, T replaced by C.
Protein change: p.Leu1077Pro; replaces leucine 1077 with proline.
Molecular consequence: missense variant.
Genome position (GRCh38, 1-based): chr3:121,489,701, A>G on the plus strand (T>C on the coding strand, the complement: POLQ is on the minus strand). VCF-style: chr3-121489701-A-G. GRCh37 (hg19) VCF-style: chr3-121208548-A-G.
Other names: short protein forms L1077P.
Identifiers: ClinVar variation 1729194 (VCV001729194.2), dbSNP rs2546787645, ClinGen allele CA354101128.